The following is an entry in ClinVar:

NM_015910.7(WDPCP):c.1915+4A>G

Gene: WDPCP (WD repeat containing planar cell polarity effector; minus strand). Cytogenetic location: 2p15.
Variant type: single nucleotide variant.
Coding change: c.1915+4A>G on transcript NM_015910.7 (MANE Select); 4 bases into the intron after coding-DNA position 1915, A replaced by G.
Molecular consequence: intron variant.
Genome position (GRCh38, 1-based): chr2:63,259,303, T>C on the plus strand (A>G on the coding strand, the complement: WDPCP is on the minus strand). VCF-style: chr2-63259303-T-C. GRCh37 (hg19) VCF-style: chr2-63486438-T-C.
Other names: c.1843+4A>G (NM_001354044.2); c.1438+4A>G (NM_001042692.3).
Identifiers: ClinVar variation 4988257 (VCV004988257.1).
Genomic context (GRCh38, chr2:63,259,303, plus strand): 5'-AAATAGAAATGATACTAACTATTGATTAAAATAAAAAGCACTTAAAAATAGCGTTAATTC[T>C]TACCAACCCCAGAGGTTATTGATTCTGCATCAATGTCACTAGCTCTTTTTCTTGCCACTT-3'

ClinVar aggregate classification (germline): Uncertain significance (1 of 4 stars; one submission).

Conditions:
WDPCP-related disorder. Also called: WDPCP-related condition.

gnomAD v4.1: 3 of 1,611,640 alleles (0.00019%); highest among the groups gnomAD compares: African/African-American, 0.004%; no homozygotes.

Submission:

PreventionGenetics, part of Exact Sciences
Classification: Uncertain significance for WDPCP-related condition. Last evaluated: 2025-05-10. Review status: criteria provided, single submitter. Criteria: ACMG Guidelines, 2015. Collection method: clinical testing. Allele origin: germline.
Comment: The WDPCP c.1915+4A>G variant is predicted to interfere with splicing. This variant is predicted to impact splicing based on a splicing prediction program (SpliceAI, Jaganathan K, et al. 2019. PubMed ID: 30661751). To our knowledge, this variant has not been reported in the literature or in a large population database (gnomAD), indicating this variant is rare. At this time, the clinical significance of this variant is uncertain due to the absence of conclusive functional and genetic evidence.